The following is an entry in ClinVar:

NM_000059.4(BRCA2):c.8955del (p.Ile2986fs)

Gene: BRCA2 (BRCA2 DNA repair associated; plus strand). Cytogenetic location: 13q13.1.
Variant type: Deletion.
Coding change: c.8955del on transcript NM_000059.4 (MANE Select); coding-DNA position 8955, one base deleted (T; older notation c.8955delT).
Protein change: p.Ile2986fs; shifts the reading frame from isoleucine 2986.
Molecular consequence: frameshift variant. On other transcripts: non-coding transcript variant (1), intron variant (1).
Genome position (GRCh38, 1-based): chr13:32,379,751, T deleted; the last of 2 consecutive T bases (chr13:32,379,750-32,379,751); deleting either gives the same sequence. VCF-style (leftmost placement, unchanged base first): chr13-32379749-GT-G. GRCh37 (hg19) VCF-style: chr13-32953886-GT-G.
Other names: c.8859del, p.Ile2954fs (NM_001406719.1); c.4023del, p.Ile1342fs (NM_001406721.1); c.2538del, p.Ile847fs (NM_001406722.1); c.8954-50del (NM_001406720.1); short protein forms I1342fs, I2954fs, I2986fs, I847fs.
Identifiers: ClinVar variation 2673892 (VCV002673892.1), dbSNP rs2548555532, ClinGen allele CA2695199714.
Genomic context (GRCh38, chr13:32,379,749, plus strand): 5'-AACAAACATTTAAATGATAATCACTTCTTCCATTGCATCTTTCTCATCTTTCTCCAAACA[GT>G]TATACTGAGTATTTGGCGTCCATCATCAGATTTATATTCTCTGTTAACAGAAGGAAAGAG-3'

ClinVar aggregate classification (germline): Pathogenic (1 of 4 stars; one submission).

Conditions:
Breast-ovarian cancer, familial, susceptibility to, 2 (BROVCA2). Also called: BRCA2 Hereditary Breast and Ovarian Cancer. Identifiers: Orphanet 145, MedGen C2675520, MONDO:0012933, OMIM 612555. Disease mechanism: loss of function.

Submission:

Myriad Genetics, Inc.
Classification: Pathogenic for Breast-ovarian cancer, familial, susceptibility to, 2. Last evaluated: 2023-10-24. Review status: criteria provided, single submitter. Criteria: Myriad Autosomal Dominant, Autosomal Recessive and X-Linked Classification Criteria (2023). Collection method: clinical testing. Allele origin: unknown.
Comment: This variant is considered pathogenic. This variant creates a frameshift predicted to result in premature protein truncation.